The following is an entry in ClinVar:

NM_018896.5(CACNA1G):c.4094T>C (p.Met1365Thr)

Gene: CACNA1G (calcium voltage-gated channel subunit alpha1 G; plus strand). Cytogenetic location: 17q21.33.
Variant type: single nucleotide variant.
Coding change: c.4094T>C on transcript NM_018896.5 (MANE Select); coding-DNA position 4094, T replaced by C.
Protein change: p.Met1365Thr; replaces methionine 1365 with threonine.
Molecular consequence: missense variant. On other transcripts: non-coding transcript variant (5).
Genome position (GRCh38, 1-based): chr17:50,603,124, T>C. VCF-style: chr17-50603124-T-C. GRCh37 (hg19) VCF-style: chr17-48680485-T-C.
Other names: c.4094T>C, p.Met1365Thr (NM_001256324.2, NM_001256325.2, NM_001256326.2 and 16 more transcripts); c.4025T>C, p.Met1342Thr (NM_001256332.2, NM_198376.3, NM_198379.3 and 5 more transcripts); short protein forms M1342T, M1365T.
Identifiers: ClinVar variation 3342876 (VCV003342876.3).

ClinVar aggregate classification (germline): Uncertain significance. Review status: criteria provided, multiple submitters, no conflicts (2 of 4 stars). 2 submissions from 2 submitters: Uncertain significance (2). Last evaluated 2025-02-24.

Submissions (2):

Labcorp Genetics (formerly Invitae), Labcorp
Classification: Uncertain significance. Last evaluated: 2025-02-24. Review status: criteria provided, single submitter. Criteria: Invitae Variant Classification Sherloc (09022015). Collection method: clinical testing. Allele origin: germline.
Comment: This sequence change replaces methionine, which is neutral and non-polar, with threonine, which is neutral and polar, at codon 1365 of the CACNA1G protein (p.Met1365Thr). This variant is present in population databases (no rsID available, gnomAD 0.002%). This variant has not been reported in the literature in individuals affected with CACNA1G-related conditions. ClinVar contains an entry for this variant (Variation ID: 3342876). Invitae Evidence Modeling of protein sequence and biophysical properties (such as structural, functional, and spatial information, amino acid conservation, physicochemical variation, residue mobility, and thermodynamic stability) has been performed for this missense variant. However, the output from this modeling did not meet the statistical confidence thresholds required to predict the impact of this variant on CACNA1G protein function. In summary, the available evidence is currently insufficient to determine the role of this variant in disease. Therefore, it has been classified as a Variant of Uncertain Significance.

GeneDx
Classification: Uncertain significance. Last evaluated: 2023-07-26. Review status: criteria provided, single submitter. Criteria: GeneDx Variant Classification Process June 2021. Collection method: clinical testing. Allele origin: germline. Affected: yes.
Comment: Not observed at significant frequency in large population cohorts (gnomAD); In silico analysis supports that this missense variant has a deleterious effect on protein structure/function; Has not been previously published as pathogenic or benign to our knowledge